The following is an entry in ClinVar:

ClinVar aggregate classification (germline): Pathogenic (0 of 4 stars; one submission).

Conditions:
Alkaptonuria (AKU). Also called: Alkaptonuric ochronosis; Homogentisic acidura; Alcaptonuria; HOMOGENTISIC ACID OXIDASE DEFICIENCY. Identifiers: Orphanet 56, MedGen C0002066, MONDO:0008753, OMIM 203500.

Submission:

Department Of Human Genetics, Institute Of Clinical And Translational Research, Biomedical Research Center, Slovak Academy Of Sciences
Classification: Pathogenic for Alkaptonuria. Review status: no assertion criteria provided. Collection method: research. Allele origin: germline. Inheritance: Autosomal recessive inheritance. Affected: yes. Observed: 1 variant allele.
Comment: The variant was originally described in AKU patient in PMID:23353776. It has been submitted to the HGD gene mutation database (DB-ID: AKU_00157).

Literature cited by the submitters: PubMed 23353776.

NM_000187.4(HGD):c.986T>G (p.Phe329Cys)

Gene: HGD (homogentisate 1,2-dioxygenase; minus strand). Cytogenetic location: 3q13.33.
Variant type: single nucleotide variant.
Coding change: c.986T>G on transcript NM_000187.4 (MANE Select); coding-DNA position 986, T replaced by G.
Protein change: p.Phe329Cys; replaces phenylalanine 329 with cysteine.
Molecular consequence: missense variant.
Genome position (GRCh38, 1-based): chr3:120,638,475, A>C on the plus strand (T>G on the coding strand, the complement: HGD is on the minus strand). VCF-style: chr3-120638475-A-C. GRCh37 (hg19) VCF-style: chr3-120357322-A-C.
Other names: short protein forms F329C.
Identifiers: ClinVar variation 2627728 (VCV002627728.1), dbSNP rs2472670571, ClinGen allele CA354073356.
Genomic context (GRCh38, chr3:120,638,475, plus strand): 5'-CTTTGGCTTGCAAATGTGGCTTGGTAAAAGAGAGACTTACTATGGTAATAAGGAGGCCTG[A>C]AGGTCTTATCAGCAACCCCCCATCGAGGTGGGAAGATGACAAAATCAGCAATGGCCACTC-3'
Protein context (NP_000178.2, residues 319-339): PPRWGVADKT[Phe329Cys]RPPYYHRNCM